The following is an entry in ClinVar:

NM_000289.6(PFKM):c.399_400del (p.Ser133fs)

Gene: PFKM (phosphofructokinase, muscle; plus strand). Cytogenetic location: 12q13.11.
Variant type: Deletion.
Coding change: c.399_400del on transcript NM_000289.6 (MANE Select); coding-DNA positions 399 to 400, 2 bases deleted (TG; older notation c.399_400delTG).
Protein change: p.Ser133fs; shifts the reading frame from serine 133.
Molecular consequence: frameshift variant. On other transcripts: non-coding transcript variant (6).
Genome position (GRCh38, 1-based): chr12:48,133,029-48,133,030, TG deleted; deleting any 2 consecutive bases within chr12:48,133,028-48,133,030 gives the same sequence; the c. name uses the placement nearest the transcript's 3' end. VCF-style (leftmost placement, unchanged base first): chr12-48133027-AGT-A. GRCh37 (hg19) VCF-style: chr12-48526810-AGT-A.
Other names: c.612_613del, p.Ser204fs (NM_001166686.2, NM_001354737.1, NM_001354738.1 and 1 more transcripts); c.399_400del, p.Ser133fs (NM_001166687.2, NM_001166688.2, NM_001354742.2 and 4 more transcripts); c.708_709del, p.Ser236fs (NM_001354735.1, NM_001354736.1); c.543_544del, p.Ser181fs (NM_001354740.1); c.423_424del, p.Ser141fs (NM_001354741.2); c.312_313del, p.Ser104fs (NM_001354745.2); c.249_250del, p.Ser83fs (NM_001354747.2, NM_001354748.2); short protein forms S104fs, S133fs, S141fs, S181fs, S204fs, S236fs, S83fs.
Identifiers: ClinVar variation 1726420 (VCV001726420.2), dbSNP rs2540901407, ClinGen allele CA2580085484.

ClinVar aggregate classification (germline): Likely pathogenic (1 of 4 stars; one submission).

Conditions:
Glycogen storage disease, type VII (GSD7). Also called: PFKM DEFICIENCY; TARUI DISEASE; GSD VII; MUSCLE PHOSPHOFRUCTOKINASE DEFICIENCY. Identifiers: Orphanet 371, MedGen C0017926, MONDO:0009295, OMIM 232800.

Submission:

Myriad Genetics, Inc.
Classification: Likely pathogenic for Glycogen storage disease, type VII. Last evaluated: 2021-12-17. Review status: criteria provided, single submitter. Criteria: Myriad Women's Health Autosomal Recessive and X-Linked Classification Criteria (2021). Collection method: clinical testing. Allele origin: unknown.
Comment: NM_001166686.1(PFKM):c.612_613delTG(S204Rfs*5) is expected to be pathogenic in the context of glycogen storage disease type VII. This variant is predicted to lead to an abnormal or absent protein product due to the creation of a premature termination codon in PFKM, a gene where loss-of-function variants are known to be pathogenic. Please note: this variant was assessed in the context of healthy population screening.